The following is an entry in ClinVar:

NM_000878.5(IL2RB):c.139G>C (p.Val47Leu)

Gene: IL2RB (interleukin 2 receptor subunit beta; minus strand). Cytogenetic location: 22q12.3.
Variant type: single nucleotide variant.
Coding change: c.139G>C on transcript NM_000878.5 (MANE Select); coding-DNA position 139, G replaced by C.
Protein change: p.Val47Leu; replaces valine 47 with leucine.
Molecular consequence: missense variant.
Genome position (GRCh38, 1-based): chr22:37,143,585, C>G on the plus strand (G>C on the coding strand, the complement: IL2RB is on the minus strand). VCF-style: chr22-37143585-C-G. GRCh37 (hg19) VCF-style: chr22-37539625-C-G.
Other names: c.139G>C, p.Val47Leu (NM_001346223.2, NM_001346222.1); short protein forms V47L.
Identifiers: ClinVar variation 1437961 (VCV001437961.4), dbSNP rs746287644, ClinGen allele CA10216738.

ClinVar aggregate classification (germline): Uncertain significance (1 of 4 stars; one submission).

Allele frequency attached by ClinVar (database versions not stated): ExAC 0.00001.

Submission:

Labcorp Genetics (formerly Invitae), Labcorp
Classification: Uncertain significance. Last evaluated: 2021-08-20. Review status: criteria provided, single submitter. Criteria: Invitae Variant Classification Sherloc (09022015). Collection method: clinical testing. Allele origin: germline.
Comment: This sequence change replaces valine with leucine at codon 47 of the IL2RB protein (p.Val47Leu). The valine residue is weakly conserved and there is a small physicochemical difference between valine and leucine. This variant is present in population databases (rs746287644, ExAC 0.006%). This variant has not been reported in the literature in individuals affected with IL2RB-related conditions. Algorithms developed to predict the effect of missense changes on protein structure and function output the following: SIFT: "Tolerated"; PolyPhen-2: "Benign"; Align-GVGD: "Class C0". The leucine amino acid residue is found in multiple mammalian species, which suggests that this missense change does not adversely affect protein function. In summary, the available evidence is currently insufficient to determine the role of this variant in disease. Therefore, it has been classified as a Variant of Uncertain Significance.